The following is an entry in ClinVar:

NC_000017.10:g.(?_59861621)_(59861795_?)del

Gene: BRIP1 (BRCA1 interacting DNA helicase 1; minus strand). Cytogenetic location: 17q23.2.
Variant type: Deletion.
Identifiers: ClinVar variation 1070392 (VCV001070392.3).

ClinVar aggregate classification (germline): Pathogenic (1 of 4 stars; one submission).

Conditions:
Familial cancer of breast. Also called: Hereditary breast cancer; BREAST CANCER, FAMILIAL; hereditary breast carcinoma. Identifiers: Orphanet 227535, MedGen C0346153, MONDO:0016419, OMIM 114480. Disease mechanism: loss of function.
Fanconi anemia complementation group J. Also called: BRIP1-Related Fanconi Anemia. Identifiers: Orphanet 84, MedGen C1836860, MONDO:0012187, OMIM 609054.

Submission:

Labcorp Genetics (formerly Invitae), Labcorp
Classification: Pathogenic for Familial cancer of breast; Fanconi anemia complementation group J. Last evaluated: 2022-08-17. Review status: criteria provided, single submitter. Criteria: Invitae Variant Classification Sherloc (09022015). Collection method: clinical testing. Allele origin: germline.
Comment: This variant is a gross deletion of the genomic region encompassing exon(s) 11 of the BRIP1 gene. This deletion is out-of-frame, and is expected to create a premature termination codon and result in an absent or disrupted protein product. Loss-of-function variants in BRIP1 are known to be pathogenic (PMID: 16116423, 17033622, 21964575). This variant has not been reported in the literature in individuals affected with BRIP1-related conditions. For these reasons, this variant has been classified as Pathogenic.

Literature cited by the submitters: PubMed 16116423; PubMed 17033622; PubMed 21964575.